The following is an entry in ClinVar:

ClinVar aggregate classification (germline): Pathogenic/Likely pathogenic. Review status: criteria provided, multiple submitters, no conflicts (2 of 4 stars). 2 submissions from 2 submitters: Pathogenic (1); Likely pathogenic (1). Last evaluated 2022-03-04.

Conditions:
Benign familial hematuria. Also called: thin basement membrane disease. Identifiers: MedGen C0241908, MONDO:0957317.

Submissions (2):

Institute of Human Genetics Munich, TUM University Hospital
Classification: Likely pathogenic for Hematuria, benign familial, 1. Last evaluated: 2022-03-04. Review status: criteria provided, single submitter. Criteria: Classification criteria August 2017. Collection method: clinical testing. Allele origin: germline. Inheritance: Autosomal dominant inheritance. Affected: yes. Observed: 1 variant allele.

Labcorp Genetics (formerly Invitae), Labcorp
Classification: Pathogenic. Last evaluated: 2021-07-21. Review status: criteria provided, single submitter. Criteria: Invitae Variant Classification Sherloc (09022015). Collection method: clinical testing. Allele origin: germline.
Comment: This variant is not present in population databases (ExAC no frequency). This sequence change creates a premature translational stop signal (p.Trp24Cysfs*70) in the COL4A4 gene. It is expected to result in an absent or disrupted protein product. Loss-of-function variants in COL4A4 are known to be pathogenic (PMID: 21196518, 24854265, 25307543). This variant has not been reported in the literature in individuals affected with COL4A4-related conditions. This variant is also known as c.71+1del. Algorithms developed to predict the effect of sequence changes on RNA splicing suggest that this variant may disrupt the consensus splice site. For these reasons, this variant has been classified as Pathogenic.

Literature cited by the submitters: PubMed 21196518 (cited by Labcorp Genetics (formerly Invitae), Labcorp); PubMed 24854265 (cited by Labcorp Genetics (formerly Invitae), Labcorp); PubMed 25307543 (cited by Labcorp Genetics (formerly Invitae), Labcorp).

NM_000092.5(COL4A4):c.71+1del

Gene: COL4A4 (collagen type IV alpha 4 chain; minus strand). Cytogenetic location: 2q36.3.
Variant type: Deletion.
Coding change: c.71+1del on transcript NM_000092.5 (MANE Select); the canonical splice donor site of the intron after coding-DNA position 71, one base deleted (G; older notation c.71+1delG).
Molecular consequence: splice donor variant.
Genome position (GRCh38, 1-based): chr2:227,147,412, C deleted on the plus strand (G on the coding strand, the reverse complement: COL4A4 is on the minus strand); the first of 2 consecutive C bases (chr2:227,147,412-227,147,413); deleting either gives the same sequence. VCF-style (leftmost placement, unchanged base first): chr2-227147411-AC-A. GRCh37 (hg19) VCF-style: chr2-228012127-AC-A.
Identifiers: ClinVar variation 1368692 (VCV001368692.7), dbSNP rs2125387640, ClinGen allele CA2573135512.